The following is an entry in ClinVar:

ClinVar aggregate classification (germline): Uncertain significance. Review status: criteria provided, multiple submitters, no conflicts (2 of 4 stars). 5 submissions from 5 submitters: Uncertain significance (5). Last evaluated 2025-09-25.

Conditions:
Inborn genetic diseases. Identifiers: MedGen C0950123, MeSH D030342.

Allele frequency attached by ClinVar (database versions not stated): ESP Exome Variant Server 0.00023; TOPMed 0.00025; gnomAD 0.00029; 1000 Genomes Project 30x 0.00031; 1000 Genomes Project 0.00040.
gnomAD v4.1: 600 of 1,613,650 alleles (0.037%); highest among the groups gnomAD compares: Non-Finnish European, 0.046%; no homozygotes.

Submissions (5):

GeneDx
Classification: Uncertain significance. Last evaluated: 2025-09-25. Review status: criteria provided, single submitter. Criteria: GeneDx Variant Classification Process June 2021. Collection method: clinical testing. Allele origin: germline. Affected: yes.
Comment: In silico analysis suggests that this missense variant does not alter protein structure/function; Has not been previously published as pathogenic or benign to our knowledge

Blueprint Genetics
Classification: Uncertain significance. Last evaluated: 2024-09-04. Review status: criteria provided, single submitter. Criteria: ACMG Guidelines, 2015. Collection method: clinical testing. Allele origin: germline.

Ambry Genetics
Classification: Uncertain significance for Inborn genetic diseases. Last evaluated: 2023-12-17. Review status: criteria provided, single submitter. Criteria: Ambry Variant Classification Scheme 2023. Collection method: clinical testing. Allele origin: germline.

Labcorp Genetics (formerly Invitae), Labcorp
Classification: Uncertain significance. Last evaluated: 2022-11-01. Review status: criteria provided, single submitter. Criteria: Invitae Variant Classification Sherloc (09022015). Collection method: clinical testing. Allele origin: germline.
Comment: This sequence change replaces arginine, which is basic and polar, with proline, which is neutral and non-polar, at codon 202 of the OTOA protein (p.Arg202Pro). This variant is present in population databases (rs142850013, gnomAD 0.07%). This variant has not been reported in the literature in individuals affected with OTOA-related conditions. ClinVar contains an entry for this variant (Variation ID: 229068). Algorithms developed to predict the effect of missense changes on protein structure and function (SIFT, PolyPhen-2, Align-GVGD) all suggest that this variant is likely to be tolerated. In summary, the available evidence is currently insufficient to determine the role of this variant in disease. Therefore, it has been classified as a Variant of Uncertain Significance.

Laboratory for Molecular Medicine, Mass General Brigham Personalized Medicine
Classification: Uncertain significance. Last evaluated: 2015-03-06. Review status: criteria provided, single submitter. Criteria: LMM Criteria. Collection method: clinical testing. Allele origin: germline. Observed: 1 variant allele.
Comment: Variant classified as Uncertain Significance - Favor Benign. The p.Arg202Pro var iant in OTOA has not been previously reported in individuals with hearing loss, but has been identified in 0.09% (56/65832) European chromosomes by the Exome Ag gregation Consortium (ExAC; dbSNP rs142850013). Arginine (Arg) at position 202 is not conserved through species, with one mammal (big brown bat) having a proline (Pro) at this position, suggesting this change is tolerated. Additional computational prediction tools suggest that this varia nt may not impact the protein, though this information is not predictive enough to rule out pathogenicity. In summary, while the clinical significance of the Ar g202Pro variant is uncertain, these data suggest that it is more likely to be be nign.

NM_144672.4(OTOA):c.605G>C (p.Arg202Pro)

Gene: OTOA (otoancorin). Cytogenetic location: 16p12.2.
Variant type: single nucleotide variant.
Coding change: c.605G>C on transcript NM_144672.4 (MANE Select); coding-DNA position 605, G replaced by C.
Protein change: p.Arg202Pro; replaces arginine 202 with proline.
Molecular consequence: missense variant.
Genome position (GRCh38, 1-based): chr16:21,687,618, G>C. VCF-style: chr16-21687618-G-C. GRCh37 (hg19) VCF-style: chr16-21698939-G-C.
Other names: c.368G>C, p.Arg123Pro (NM_001161683.2); short protein forms R202P, R123P.
Identifiers: ClinVar variation 229068 (VCV000229068.14), dbSNP rs142850013, ClinGen allele CA7952341.
Genomic context (GRCh38, chr16:21,687,618, plus strand): 5'-AGGTGCTGAGGGGGTCCTCAGGGAGCTTTCTCCAGCCAGACATCACAGAGCGGCTCCCTC[G>C]GGACCTGCGCGAGGATGCCTTTAAGAACCTGTGAGTGGTTCCTCCGAACTTTTTTTTTTT-3'
Protein context (NP_653273.3, residues 192-212): LQPDITERLP[Arg202Pro]DLREDAFKNL